The following is an entry in ClinVar:

ClinVar aggregate classification (germline): Conflicting classifications of pathogenicity. Review status: criteria provided, conflicting classifications (1 of 4 stars). 2 submissions from 2 submitters: Uncertain significance (1); Likely benign (1). Last evaluated 2025-02-12.

Conditions:
Hereditary cancer-predisposing syndrome. Also called: Tumor predisposition; Hereditary Cancer Syndrome; Neoplastic Syndromes, Hereditary; Hereditary neoplastic syndrome. Identifiers: Orphanet 140162, MedGen C0027672, MeSH D009386, MONDO:0015356.
Neuroblastoma, susceptibility to, 3. Also called: ALK-Related Neuroblastic Tumor Susceptibility. Identifiers: Orphanet 635, MedGen C2751681, MONDO:0013083, OMIM 613014.

Allele frequency attached by ClinVar (database versions not stated): gnomAD exomes below 0.00001 and 0.00001.
gnomAD v4.1: 4 of 1,604,772 alleles (0.00025%); highest among the groups gnomAD compares: Admixed American, 0.005%; no homozygotes.

Submissions (2):

Ambry Genetics
Classification: Likely benign for Hereditary cancer-predisposing syndrome. Last evaluated: 2025-02-12. Review status: criteria provided, single submitter. Criteria: Ambry Variant Classification Scheme 2023. Collection method: clinical testing. Allele origin: germline.

Labcorp Genetics (formerly Invitae), Labcorp
Classification: Uncertain significance for Neuroblastoma, susceptibility to, 3. Last evaluated: 2023-09-08. Review status: criteria provided, single submitter. Criteria: Invitae Variant Classification Sherloc (09022015). Collection method: clinical testing. Allele origin: germline.
Comment: In summary, the available evidence is currently insufficient to determine the role of this variant in disease. Therefore, it has been classified as a Variant of Uncertain Significance. An algorithm developed to predict the effect of missense changes on protein structure and function (PolyPhen-2) suggests that this variant is likely to be tolerated. This variant has not been reported in the literature in individuals affected with ALK-related conditions. ClinVar contains an entry for this variant (Variation ID: 1011652). This sequence change replaces proline, which is neutral and non-polar, with leucine, which is neutral and non-polar, at codon 37 of the ALK protein (p.Pro37Leu). This variant is present in population databases (no rsID available, gnomAD 0.009%).

NM_004304.5(ALK):c.110C>T (p.Pro37Leu)

Gene: ALK (ALK receptor tyrosine kinase; minus strand). Cytogenetic location: 2p23.1.
Variant type: single nucleotide variant.
Coding change: c.110C>T on transcript NM_004304.5 (MANE Select); coding-DNA position 110, C replaced by T.
Protein change: p.Pro37Leu; replaces proline 37 with leucine.
Molecular consequence: missense variant.
Genome position (GRCh38, 1-based): chr2:29,920,550, G>A on the plus strand (C>T on the coding strand, the complement: ALK is on the minus strand). VCF-style: chr2-29920550-G-A. GRCh37 (hg19) VCF-style: chr2-30143416-G-A.
Other names: c.110C>T (NM_004304.4); short protein forms P37L.
Identifiers: ClinVar variation 1011652 (VCV001011652.9), dbSNP rs1437432300, ClinGen allele CA346590676.
Genomic context (GRCh38, chr2:29,920,550, plus strand): 5'-TCAACTGCCAGACTCTTCCTCTGCAGGCGCGAGTAGCTGAGTGGCTCCCGGGGCTGCAGC[G>A]GCGGCCCCGCAGCTGGGGAGCCCGCGCGCTGGCCGGTCCCCATCCCGGAGCCCACAGCTG-3'
Protein context (NP_004295.2, residues 27-47): QRAGSPAAGP[Pro37Leu]LQPREPLSYS